The following is an entry in ClinVar:

NM_207352.4(CYP4V2):c.1324G>A (p.Glu442Lys)

Gene: CYP4V2 (cytochrome P450 family 4 subfamily V member 2; plus strand). Cytogenetic location: 4q35.2.
Variant type: single nucleotide variant.
Coding change: c.1324G>A on transcript NM_207352.4 (MANE Select); coding-DNA position 1324, G replaced by A.
Protein change: p.Glu442Lys; replaces glutamic acid 442 with lysine.
Molecular consequence: missense variant.
Genome position (GRCh38, 1-based): chr4:186,209,191, G>A. VCF-style: chr4-186209191-G-A. GRCh37 (hg19) VCF-style: chr4-187130345-G-A.
Other names: c.1324G>A (NM_207352.3); short protein forms E442K.
Identifiers: ClinVar variation 1047543 (VCV001047543.10), dbSNP rs770028183, ClinGen allele CA3162828.

ClinVar aggregate classification (germline): Uncertain significance. Review status: criteria provided, multiple submitters, no conflicts (2 of 4 stars). 3 submissions from 3 submitters: Uncertain significance (3). Last evaluated 2024-12-02.

Conditions:
Inborn genetic diseases. Identifiers: MedGen C0950123, MeSH D030342.

Allele frequency attached by ClinVar (database versions not stated): gnomAD exomes below 0.00001; ExAC 0.00001; gnomAD 0.00001; TOPMed 0.00001.
gnomAD v4.1: 6 of 1,613,980 alleles (0.00037%); highest among the groups gnomAD compares: African/African-American, 0.0067%; no homozygotes.

Submissions (3):

Labcorp Genetics (formerly Invitae), Labcorp
Classification: Uncertain significance. Last evaluated: 2024-12-02. Review status: criteria provided, single submitter. Criteria: Invitae Variant Classification Sherloc (09022015). Collection method: clinical testing. Allele origin: germline.
Comment: This sequence change replaces glutamic acid, which is acidic and polar, with lysine, which is basic and polar, at codon 442 of the CYP4V2 protein (p.Glu442Lys). This variant is present in population databases (rs770028183, gnomAD 0.008%). This variant has not been reported in the literature in individuals affected with CYP4V2-related conditions. ClinVar contains an entry for this variant (Variation ID: 1047543). Invitae Evidence Modeling of protein sequence and biophysical properties (such as structural, functional, and spatial information, amino acid conservation, physicochemical variation, residue mobility, and thermodynamic stability) has been performed for this missense variant. However, the output from this modeling did not meet the statistical confidence thresholds required to predict the impact of this variant on CYP4V2 protein function. In summary, the available evidence is currently insufficient to determine the role of this variant in disease. Therefore, it has been classified as a Variant of Uncertain Significance.

Ambry Genetics
Classification: Uncertain significance for Inborn genetic diseases. Last evaluated: 2023-11-09. Review status: criteria provided, single submitter. Criteria: Ambry Variant Classification Scheme 2023. Collection method: clinical testing. Allele origin: germline.

Blueprint Genetics
Classification: Uncertain significance. Last evaluated: 2023-02-15. Review status: criteria provided, single submitter. Criteria: ACMG Guidelines, 2015. Collection method: clinical testing. Allele origin: germline.